The following is an entry in ClinVar:

NM_000127.3(EXT1):c.1401del (p.Tyr468fs)

Gene: EXT1 (exostosin glycosyltransferase 1; minus strand). Cytogenetic location: 8q24.11.
Variant type: Deletion.
Coding change: c.1401del on transcript NM_000127.3 (MANE Select); coding-DNA position 1401, one base deleted (C; older notation c.1401delC).
Protein change: p.Tyr468fs; shifts the reading frame from tyrosine 468.
Molecular consequence: frameshift variant.
Genome position (GRCh38, 1-based): chr8:117,822,481, G deleted on the plus strand (C on the coding strand, the reverse complement: EXT1 is on the minus strand). VCF-style (leftmost placement, unchanged base first): chr8-117822480-AG-A. GRCh37 (hg19) VCF-style: chr8-118834719-AG-A.
Other names: c.1401delC (NM_000127.2); short protein forms Y468fs.
Identifiers: ClinVar variation 456061 (VCV000456061.1), dbSNP rs1554579004, ClinGen allele CA658657821.

ClinVar aggregate classification (germline): Pathogenic (1 of 4 stars; one submission).

Conditions:
Multiple congenital exostosis (EXT). Also called: MULTIPLE CARTILAGINOUS EXOSTOSES; Hereditary multiple osteochondromas; Multiple exostoses; Hereditary multiple exostoses; Hereditary multiple exostosis; Multiple osteochondromas. Identifiers: Orphanet 321, MedGen C0015306, MONDO:0005508, HP:0002762.

Submission:

Labcorp Genetics (formerly Invitae), Labcorp
Classification: Pathogenic for Multiple congenital exostosis. Last evaluated: 2017-08-07. Review status: criteria provided, single submitter. Criteria: Invitae Variant Classification Sherloc (09022015). Collection method: clinical testing. Allele origin: germline.
Comment: This sequence change creates a premature translational stop signal (p.Tyr468Thrfs*5) in the EXT1 gene. It is expected to result in an absent or disrupted protein product. This variant is not present in population databases (ExAC no frequency). This variant has not been reported in the literature in individuals with EXT1-related disease. However, a different variant (c.1402del) that results in the same protein effect (p.Tyr468Thrfs*5) has been reported in individuals affected with multiple osteochondromas (PMID: 19810120, 21520333). Loss-of-function variants in EXT1 are known to be pathogenic (PMID: 10679937, 11391482, 19810120). For these reasons, this variant has been classified as Pathogenic.